The following is an entry in ClinVar:

NM_001378454.1(ALMS1):c.1756C>T (p.Gln586Ter)

Gene: ALMS1 (ALMS1 centrosome and basal body associated protein; plus strand). Cytogenetic location: 2p13.1.
Variant type: single nucleotide variant.
Coding change: c.1756C>T on transcript NM_001378454.1 (MANE Select); coding-DNA position 1756, C replaced by T.
Protein change: p.Gln586Ter; replaces glutamine 586 with a stop codon.
Molecular consequence: nonsense.
Genome position (GRCh38, 1-based): chr2:73,448,283, C>T. VCF-style: chr2-73448283-C-T. GRCh37 (hg19) VCF-style: chr2-73675410-C-T.
Other names: c.1759C>T, p.Gln587Ter (NM_015120.4); short protein forms Q586*, Q587*.
Identifiers: ClinVar variation 1457664 (VCV001457664.6), dbSNP rs2103772104, ClinGen allele CA347265313.

ClinVar aggregate classification (germline): Pathogenic (1 of 4 stars; one submission).

Conditions:
Alstrom syndrome (ALMS). Identifiers: Orphanet 64, MedGen C0268425, MONDO:0008763, OMIM 203800.

Allele frequency attached by ClinVar (database versions not stated): gnomAD exomes below 0.00001.
gnomAD v4.1: 1 of 1,614,034 alleles (0.000062%); highest among the groups gnomAD compares: Admixed American, 0.0017%; no homozygotes.

Submission:

Labcorp Genetics (formerly Invitae), Labcorp
Classification: Pathogenic for Alstrom syndrome. Last evaluated: 2024-02-24. Review status: criteria provided, single submitter. Criteria: Invitae Variant Classification Sherloc (09022015). Collection method: clinical testing. Allele origin: germline.
Comment: This sequence change creates a premature translational stop signal (p.Gln587*) in the ALMS1 gene. It is expected to result in an absent or disrupted protein product. Loss-of-function variants in ALMS1 are known to be pathogenic (PMID: 17594715). This variant is not present in population databases (gnomAD no frequency). This variant has not been reported in the literature in individuals affected with ALMS1-related conditions. ClinVar contains an entry for this variant (Variation ID: 1457664). For these reasons, this variant has been classified as Pathogenic.

Literature cited by the submitters: PubMed 17594715.